The following is an entry in ClinVar:

NM_000231.3(SGCG):c.579-6T>C

Gene: SGCG (sarcoglycan gamma; plus strand). Cytogenetic location: 13q12.12.
Variant type: single nucleotide variant.
Coding change: c.579-6T>C on transcript NM_000231.3 (MANE Select); 6 bases into the intron before coding-DNA position 579, T replaced by C.
Molecular consequence: intron variant.
Genome position (GRCh38, 1-based): chr13:23,320,631, T>C. VCF-style: chr13-23320631-T-C. GRCh37 (hg19) VCF-style: chr13-23894770-T-C.
Other names: c.633-6T>C (NM_001378244.1); c.579-6T>C (NM_001378245.1, NM_001378246.1).
Identifiers: ClinVar variation 512333 (VCV000512333.10), dbSNP rs753444436, ClinGen allele CA6909793.

ClinVar aggregate classification (germline): Likely benign. Review status: criteria provided, multiple submitters, no conflicts (2 of 4 stars). 2 submissions from 2 submitters: Likely benign (2). Last evaluated 2023-10-05.

Conditions:
Autosomal recessive limb-girdle muscular dystrophy type 2C (LGMDR5). Also called: MUSCULAR DYSTROPHY, LIMB-GIRDLE, AUTOSOMAL RECESSIVE 5; MUSCULAR DYSTROPHY, DUCHENNE-LIKE. Identifiers: Orphanet 353, MedGen C0410173, MONDO:0009677, OMIM 253700. Disease mechanism: Affects gamma-sarcoglycan and also disrupts the integrity of the entire sarcoglycan complex..

Allele frequency attached by ClinVar (database versions not stated): TOPMed below 0.00001; gnomAD exomes 0.00001; ExAC 0.00003.
gnomAD v4.1: 6 of 1,395,244 alleles (0.00043%); highest among the groups gnomAD compares: Non-Finnish European, 0.00059%; no homozygotes.

Submissions (2):

Labcorp Genetics (formerly Invitae), Labcorp
Classification: Likely benign for Autosomal recessive limb-girdle muscular dystrophy type 2C. Last evaluated: 2023-10-05. Review status: criteria provided, single submitter. Criteria: Invitae Variant Classification Sherloc (09022015). Collection method: clinical testing. Allele origin: germline.

GeneDx
Classification: Likely benign. Last evaluated: 2017-09-26. Review status: criteria provided, single submitter. Criteria: GeneDx Variant Classification (06012015). Collection method: clinical testing. Allele origin: germline. Affected: yes.
Comment: This variant is considered likely benign or benign based on one or more of the following criteria: it is a conservative change, it occurs at a poorly conserved position in the protein, it is predicted to be benign by multiple in silico algorithms, and/or has population frequency not consistent with disease.